The following is an entry in ClinVar:

NM_000317.3(PTS):c.83+5G>T

Genes: PTS (6-pyruvoyltetrahydropterin synthase; plus strand), LOC130006765 (ATAC-STARR-seq lymphoblastoid silent region 3906; plus strand). Cytogenetic location: 11q23.1.
Variant type: single nucleotide variant.
Coding change: c.83+5G>T on transcript NM_000317.3 (MANE Select); 5 bases into the intron after coding-DNA position 83, G replaced by T.
Molecular consequence: intron variant.
Genome position (GRCh38, 1-based): chr11:112,226,531, G>T. VCF-style: chr11-112226531-G-T. GRCh37 (hg19) VCF-style: chr11-112097254-G-T.
Identifiers: ClinVar variation 2189424 (VCV002189424.2), dbSNP rs746134820, ClinGen allele CA601757016.

ClinVar aggregate classification (germline): Uncertain significance. Review status: criteria provided, multiple submitters, no conflicts (2 of 4 stars). 2 submissions from 2 submitters: Uncertain significance (2). Last evaluated 2025-11-27.

Conditions:
6-Pyruvoyl-tetrahydrobiopterin synthase deficiency. Also called: 6-Pyruvoyltetrahydropterin Synthase Deficiency; HYPERPHENYLALANINEMIA, TETRAHYDROBIOPTERIN-DEFICIENT, DUE TO PTS DEFICIENCY; Hyperphenylalanemia, BH4-deficient, A; Hyperphenylalaninemia due to 6-pyruvoyl-tetrahydropterin synthase deficiency; PTS-Related Tetrahydrobiopterin Deficiency; BH4-deficient hyperphenylalaninemia A. Identifiers: Orphanet 13, Orphanet 238583, MedGen C0878676, MONDO:0009863, OMIM 261640.

gnomAD v4.1: 53 of 1,580,012 alleles (0.0034%); highest among the groups gnomAD compares: Non-Finnish European, 0.0045%; no homozygotes.

Submissions (2):

Women's Health and Genetics/Laboratory Corporation of America, LabCorp
Classification: Uncertain significance. Last evaluated: 2025-11-27. Review status: criteria provided, single submitter. Criteria: LabCorp Variant Classification Summary - May 2015. Collection method: clinical testing. Allele origin: germline.

Labcorp Genetics (formerly Invitae), Labcorp
Classification: Uncertain significance for 6-Pyruvoyl-tetrahydrobiopterin synthase deficiency. Last evaluated: 2022-07-29. Review status: criteria provided, single submitter. Criteria: Invitae Variant Classification Sherloc (09022015). Collection method: clinical testing. Allele origin: germline.
Comment: This sequence change falls in intron 1 of the PTS gene. It does not directly change the encoded amino acid sequence of the PTS protein. It affects a nucleotide within the consensus splice site. This variant is not present in population databases (gnomAD no frequency). This variant has not been reported in the literature in individuals affected with PTS-related conditions. Variants that disrupt the consensus splice site are a relatively common cause of aberrant splicing (PMID: 17576681, 9536098). Algorithms developed to predict the effect of sequence changes on RNA splicing suggest that this variant may create or strengthen a splice site. In summary, the available evidence is currently insufficient to determine the role of this variant in disease. Therefore, it has been classified as a Variant of Uncertain Significance.

Literature cited by the submitters: PubMed 17576681 (cited by Labcorp Genetics (formerly Invitae), Labcorp); PubMed 9536098 (cited by Labcorp Genetics (formerly Invitae), Labcorp).